The following is an entry in ClinVar:

NM_001267550.2(TTN):c.47481G>A (p.Gln15827=)

Genes: TTN (titin; minus strand), TTN-AS1 (TTN antisense RNA 1; plus strand). Cytogenetic location: 2q31.2.
Variant type: single nucleotide variant.
Coding change: c.47481G>A on transcript NM_001267550.2 (MANE Select); coding-DNA position 47481, G replaced by A.
Protein change: p.Gln15827=; no amino-acid change (glutamine 15827 retained).
Molecular consequence: synonymous variant.
Genome position (GRCh38, 1-based): chr2:178,617,870, C>T on the plus strand (G>A on the coding strand, the complement: TTN is on the minus strand). VCF-style: chr2-178617870-C-T. GRCh37 (hg19) VCF-style: chr2-179482597-C-T.
Other names: c.42558G>A, p.Gln14186= (NM_001256850.1); c.20286G>A, p.Gln6762= (NM_003319.4); c.39777G>A, p.Gln13259= (NM_133378.4); c.20661G>A, p.Gln6887= (NM_133432.3); c.20862G>A, p.Gln6954= (NM_133437.4).
Identifiers: ClinVar variation 682488 (VCV000682488.10), dbSNP rs752514306, ClinGen allele CA60990414.

ClinVar aggregate classification (germline): Conflicting classifications of pathogenicity. Review status: criteria provided, conflicting classifications (1 of 4 stars). 6 submissions from 6 submitters: Uncertain significance (1); Likely benign (5). Last evaluated 2025-10-23.

Conditions:
TTN-related disorder. Also called: TTN-related disorders; TTN-related condition; TTN-related disease.
Dilated cardiomyopathy 1G (CMD1G). Identifiers: Orphanet 154, MedGen C1858763, MONDO:0011400, OMIM 604145.
Autosomal recessive limb-girdle muscular dystrophy type 2J (LGMDR10). Also called: MUSCULAR DYSTROPHY, LIMB-GIRDLE, AUTOSOMAL RECESSIVE 10; Limb-girdle muscular dystrophy, type 2J. Identifiers: Orphanet 140922, MedGen C1837342, MONDO:0012127, OMIM 608807.
Cardiovascular phenotype. Identifiers: MedGen CN230736.

Allele frequency attached by ClinVar (database versions not stated): gnomAD 0.00001; gnomAD exomes 0.00001.
gnomAD v4.1: 30 of 1,612,550 alleles (0.0019%); highest among the groups gnomAD compares: Non-Finnish European, 0.0025%; no homozygotes.

Submissions (6):

PreventionGenetics, part of Exact Sciences
Classification: Likely benign for TTN-related condition. Last evaluated: 2025-10-23. Review status: criteria provided, single submitter. Criteria: ACMG Guidelines, 2015. Collection method: clinical testing. Allele origin: germline.
Comment: This variant is classified as likely benign based on ACMG/AMP sequence variant interpretation guidelines (Richards et al. 2015 PMID: 25741868, with internal and published modifications).

Labcorp Genetics (formerly Invitae), Labcorp
Classification: Likely benign for Dilated cardiomyopathy 1G; Autosomal recessive limb-girdle muscular dystrophy type 2J. Last evaluated: 2025-08-17. Review status: criteria provided, single submitter. Criteria: Invitae Variant Classification Sherloc (09022015). Collection method: clinical testing. Allele origin: germline.

Ambry Genetics
Classification: Likely benign for Cardiovascular phenotype. Last evaluated: 2021-08-17. Review status: criteria provided, single submitter. Criteria: Ambry Variant Classification Scheme 2023. Collection method: clinical testing. Allele origin: germline.

Athena Diagnostics
Classification: Likely benign. Last evaluated: 2019-08-13. Review status: criteria provided, single submitter. Criteria: Athena Diagnostics Criteria. Collection method: clinical testing. Allele origin: germline.

Revvity Omics, Revvity
Classification: Uncertain significance. Last evaluated: 2019-03-22. Review status: criteria provided, single submitter. Criteria: ACMG Guidelines, 2015. Collection method: clinical testing. Allele origin: germline.

GeneDx
Classification: Likely benign. Last evaluated: 2018-04-25. Review status: criteria provided, single submitter. Criteria: GeneDx Variant Classification (06012015). Collection method: clinical testing. Allele origin: germline. Affected: yes.
Comment: This variant is considered likely benign or benign based on one or more of the following criteria: it is a conservative change, it occurs at a poorly conserved position in the protein, it is predicted to be benign by multiple in silico algorithms, and/or has population frequency not consistent with disease.